The following is an entry in ClinVar:

ClinVar aggregate classification (germline): Uncertain significance (1 of 4 stars; one submission).

Conditions:
Periodic fever-infantile enterocolitis-autoinflammatory syndrome. Also called: Autoinflammation with infantile enterocolitis. Identifiers: Orphanet 436166, MedGen C4015067, MONDO:0014472, OMIM 616050.
Familial cold autoinflammatory syndrome 4 (FCAS4). Identifiers: Orphanet 47045, Orphanet 576349, MedGen C4015276, MONDO:0014498, OMIM 616115.

Submission:

Labcorp Genetics (formerly Invitae), Labcorp
Classification: Uncertain significance for Autoinflammation with infantile enterocolitis; Familial cold autoinflammatory syndrome 4. Last evaluated: 2019-12-13. Review status: criteria provided, single submitter. Criteria: Invitae Variant Classification Sherloc (09022015). Collection method: clinical testing. Allele origin: germline.
Comment: This sequence change creates a premature translational stop signal (p.Leu815Valfs*3) in the NLRC4 gene. It is expected to result in an absent or disrupted protein product. This variant is not present in population databases (ExAC no frequency). This variant has not been reported in the literature in individuals with NLRC4-related conditions. The current clinical and genetic evidence is not sufficient to establish whether loss-of-function variants in NLRC4 cause disease. In summary, the available evidence is currently insufficient to determine the role of this variant in disease. Therefore, it has been classified as a Variant of Uncertain Significance.

NM_001199138.2(NLRC4):c.2443_2444del (p.Leu815fs)

Gene: NLRC4 (NLR family CARD domain containing 4; minus strand). Cytogenetic location: 2p22.3.
Variant type: Microsatellite.
Coding change: c.2443_2444del on transcript NM_001199138.2 (MANE Select); coding-DNA positions 2443 to 2444, 2 bases deleted (CT; older notation c.2443_2444delCT).
Protein change: p.Leu815fs; shifts the reading frame from leucine 815.
Molecular consequence: frameshift variant.
Genome position (GRCh38, 1-based): chr2:32,238,209-32,238,210, AG deleted on the plus strand (CT on the coding strand, the reverse complement: NLRC4 is on the minus strand); deleting any 2 consecutive bases within chr2:32,238,209-32,238,213 gives the same sequence; the c. name uses the placement nearest the transcript's 3' end. VCF-style (leftmost placement, unchanged base first): chr2-32238208-CAG-C. GRCh37 (hg19) VCF-style: chr2-32463277-CAG-C.
Other names: c.2440_2441TC[1], p.Leu815Valfs (NM_001199139.2, NM_021209.5); c.445_446TC[1], p.Leu150Valfs (NM_001302504.2); short protein forms L150fs, L815fs.
Identifiers: ClinVar variation 844383 (VCV000844383.1), dbSNP rs1254673382, ClinGen allele CA767857474.